The following is an entry in ClinVar:

ClinVar aggregate classification (germline): Pathogenic. Review status: criteria provided, multiple submitters, no conflicts (2 of 4 stars). 4 submissions from 4 submitters: Pathogenic (3). 1 of the submissions does not count toward it. Last evaluated 2024-04-23.

Conditions:
Cholestasis, progressive familial intrahepatic, 12 (PFIC12). Also called: CHOLESTASIS, ISOLATED LOW-GGT. Identifiers: MedGen C5774311, MONDO:0031040, OMIM 620010.
Arthrogryposis, renal dysfunction, and cholestasis 1 (ARCS1). Identifiers: Orphanet 2697, MedGen C1859722, MONDO:0008822, OMIM 208085.
Keratoderma-ichthyosis-deafness syndrome, autosomal recessive (KDIDAR). Identifiers: MedGen C5774200, MONDO:0859278, OMIM 620009.

Allele frequency attached by ClinVar (database versions not stated): ExAC 0.00002; gnomAD exomes 0.00002 and 0.00003.
gnomAD v4.1: 15 of 1,613,916 alleles (0.00093%); highest among the groups gnomAD compares: East Asian, 0.033%; no homozygotes.

Submissions (4):

Fulgent Genetics
Classification: Pathogenic for Arthrogryposis, renal dysfunction, and cholestasis 1; Keratoderma-ichthyosis-deafness syndrome, autosomal recessive; Cholestasis, progressive familial intrahepatic, 12. Last evaluated: 2024-04-23. Review status: criteria provided, single submitter. Criteria: ACMG Guidelines, 2015. Collection method: clinical testing. Allele origin: germline.

3billion
Classification: Pathogenic for Arthrogryposis, renal dysfunction, and cholestasis 1. Last evaluated: 2023-10-11. Review status: criteria provided, single submitter. Criteria: ACMG Guidelines, 2015. Collection method: clinical testing. Allele origin: germline. Affected: yes.
Comment: The variant is observed at an extremely low frequency in the gnomAD v2.1.1 dataset (total allele frequency: 0.002%). Predicted Consequence/Location: Canonical splice site: predicted to alter splicing and result in a loss or disruption of normal protein function. Multiple pathogenic loss-of-function variants are reported downstream of the variant. The variant has been reported at least twice as pathogenic without evidence for the classification (ClinVar ID: VCV000317430 /PMID: 18853461). Therefore, this variant is classified as Pathogenic according to the recommendation of ACMG/AMP guideline.

Illumina Laboratory Services, Illumina
Classification: Pathogenic for Arthrogryposis, renal dysfunction, and cholestasis 1. Last evaluated: 2017-04-27. Review status: criteria provided, single submitter. Criteria: ICSL Variant Classification Criteria 09 May 2019. Collection method: clinical testing. Allele origin: germline.
Comment: The VPS33B c.403+2T>A variant occurs in a canonical splice site (donor) and is therefore predicted to disrupt or distort the normal gene product. The variant has been reported in three studies in which it is found in a total of 17 patients with arthrogryposis, renal dysfunction, and cholestasis (ARC) syndrome, including in four in a homozygous state, in 11 in a compound heterozygous state, and in two in a heterozygous state (Cullinane et al. 2009; Jang et al. 2009; Seo et al. 2014; Wang et al. 2014). The variant was also reported in a heterozygous state in four unaffected parents. The c.403+2T>A variant was absent from 250 controls and is reported at a frequency of 0.00035 in the East Asian population of the Exome Aggregation Consortium. The c.403+2T>A variant is observed at increased frequency in Korean ARC syndrome patients. Kim et al. (2011) demonstrated the variant results in aberrant splicing and premature truncation of the protein. Due to the potential impact of splice donor variants and the collective evidence, the c.403+2T>A variant is classified as pathogenic for arthrogryposis, renal dysfunction, and cholestasis syndrome. This variant was observed by ICSL as part of a predisposition screen in an ostensibly healthy population.

OMIM
Classification: Pathogenic for ARTHROGRYPOSIS, RENAL DYSFUNCTION, AND CHOLESTASIS 1. Last evaluated: 2022-08-18. Review status: no assertion criteria provided. Collection method: literature only. Allele origin: germline. Not counted in ClinVar's aggregate classification.

Literature cited by the submitters: PubMed 18853461 (cited by 3billion and Illumina Laboratory Services, Illumina); PubMed 21851503 (cited by Illumina Laboratory Services, Illumina); PubMed 24917129 (cited by Illumina Laboratory Services, Illumina); PubMed 19274792 (cited by Illumina Laboratory Services, Illumina); PubMed 24782640 (cited by Illumina Laboratory Services, Illumina); PubMed 31479177 (cited by OMIM).

NM_018668.5(VPS33B):c.403+2T>A

Gene: VPS33B (VPS33B late endosome and lysosome associated; minus strand). Cytogenetic location: 15q26.1.
Variant type: single nucleotide variant.
Coding change: c.403+2T>A on transcript NM_018668.5 (MANE Select); the canonical splice donor site of the intron after coding-DNA position 403, T replaced by A.
Molecular consequence: splice donor variant.
Genome position (GRCh38, 1-based): chr15:91,009,799, A>T on the plus strand (T>A on the coding strand, the complement: VPS33B is on the minus strand). VCF-style: chr15-91009799-A-T. GRCh37 (hg19) VCF-style: chr15-91553029-A-T.
Other names: c.322+2T>A (NM_001289148.1); c.130+2T>A (NM_001289149.1).
Identifiers: ClinVar variation 317430 (VCV000317430.9), dbSNP rs769333468, ClinGen allele CA7745082.
Genomic context (GRCh38, chr15:91,009,799, plus strand): 5'-AACAACAGTTTTTTCTTCTGTATGTTCTCTTTCCCTTTCCACTCACATTCATCTCCTCTC[A>T]CCTCCATAGATTCCCTCTTCCTCAAGCACCATCTCACACGCATAGAACTGAAAGAGAAAA-3'